The following is an entry in ClinVar:

NM_021831.6(AGBL5):c.2317A>C (p.Thr773Pro)

Gene: AGBL5 (AGBL carboxypeptidase 5; plus strand). Cytogenetic location: 2p23.3.
Variant type: single nucleotide variant.
Coding change: c.2317A>C on transcript NM_021831.6 (MANE Select); coding-DNA position 2317, A replaced by C.
Protein change: p.Thr773Pro; replaces threonine 773 with proline.
Molecular consequence: missense variant. On other transcripts: non-coding transcript variant (2).
Genome position (GRCh38, 1-based): chr2:27,068,706, A>C. VCF-style: chr2-27068706-A-C. GRCh37 (hg19) VCF-style: chr2-27291574-A-C.
Other names: short protein forms T773P.
Identifiers: ClinVar variation 1061909 (VCV001061909.9), dbSNP rs371841152, ClinGen allele CA1568185.

ClinVar aggregate classification (germline): Uncertain significance (1 of 4 stars; one submission).

Allele frequency attached by ClinVar (database versions not stated): gnomAD exomes below 0.00001; ExAC 0.00001; TOPMed 0.00001; ESP Exome Variant Server 0.00008.
gnomAD v4.1: 1 of 1,614,018 alleles (0.000062%); highest among the groups gnomAD compares: African/African-American, 0.0013%; no homozygotes.

Submission:

Labcorp Genetics (formerly Invitae), Labcorp
Classification: Uncertain significance. Last evaluated: 2020-10-08. Review status: criteria provided, single submitter. Criteria: Invitae Variant Classification Sherloc (09022015). Collection method: clinical testing. Allele origin: germline.
Comment: This sequence change replaces threonine with proline at codon 773 of the AGBL5 protein (p.Thr773Pro). The threonine residue is weakly conserved and there is a small physicochemical difference between threonine and proline. This variant is present in population databases (rs371841152, ExAC 0.01%). This variant has not been reported in the literature in individuals with AGBL5-related conditions. Algorithms developed to predict the effect of missense changes on protein structure and function (SIFT, PolyPhen-2, Align-GVGD) all suggest that this variant is likely to be tolerated, but these predictions have not been confirmed by published functional studies and their clinical significance is uncertain. In summary, the available evidence is currently insufficient to determine the role of this variant in disease. Therefore, it has been classified as a Variant of Uncertain Significance.